The following is an entry in ClinVar:

ClinVar aggregate classification (germline): Uncertain significance (1 of 4 stars; one submission).

Conditions:
FUS-related disorder. Also called: FUS-related condition.

Allele frequency attached by ClinVar (database versions not stated): TOPMed 0.00001; gnomAD exomes 0.00006; gnomAD 0.00001.
gnomAD v4.1: 35 of 746,320 alleles (0.0047%); highest among the groups gnomAD compares: East Asian, 0.091%; no homozygotes.

Submission:

PreventionGenetics, part of Exact Sciences
Classification: Uncertain significance for FUS-related condition. Last evaluated: 2023-09-22. Review status: criteria provided, single submitter. Criteria: ACMG Guidelines, 2015. Collection method: clinical testing. Allele origin: germline.
Comment: The FUS c.*181C>T variant is located in the 3' untranslated region. To our knowledge, this variant has not been reported in the literature. This variant is reported in 0.036% of alleles in individuals of East Asian descent in gnomAD. Other nucleotide substitutions in the 3’ UTR, c.*48G>A, c.*59G>A, c.*108C>T, c.*110G>A have been reported in patients with amyotrophic lateral sclerosis (Sabatelli et al. 2013. PubMed ID: 23847048). Functional studies in patient derived fibroblast cells showed the 3’ UTR variants increased expression and mislocalization of the FUS protein. At this time, the clinical significance of this variant is uncertain due to the absence of conclusive functional and genetic evidence.

NM_004960.3(FUS):c.*181C>T

Gene: FUS (FUS DNA/RNA binding protein; plus strand). Cytogenetic location: 16p11.2.
Variant type: single nucleotide variant.
Coding change: c.*181C>T on transcript NM_004960.3; 181 bases downstream of the stop codon, C replaced by T.
Molecular consequence: non-coding transcript variant (on NR_028388.2). On other transcripts: 3 prime UTR variant (2).
Genome position (GRCh38, 1-based): chr16:31,191,619, C>T. VCF-style: chr16-31191619-C-T. GRCh37 (hg19) VCF-style: chr16-31202940-C-T.
Other names: c.*181C>T (NM_001170634.1, NM_001170937.1).
Identifiers: ClinVar variation 2629515 (VCV002629515.1), dbSNP rs1007188107, ClinGen allele CA280602264.
Genomic context (GRCh38, chr16:31,191,619, plus strand): 5'-TGTAACTATACCTCTGGTTCCCATTAAAAGTGACCATTTTAGTTAAATTTTGTTCCTCTT[C>T]CCCCTTTTCACTTTCCTGGAAGATCGATGTCCCGATCAGGAAGGTAGAGAGTTTTCCTGT-3'